The following is an entry in ClinVar:

ClinVar aggregate classification (germline): Likely pathogenic (1 of 4 stars; one submission).

Conditions:
Fanconi anemia complementation group A (FANCA). Also called: FANCA-Related Fanconi Anemia; Fanconi anemia, group A. Identifiers: Orphanet 84, MedGen C3469521, MONDO:0009215, OMIM 227650.

Submission:

Neuberg Centre For Genomic Medicine, NCGM
Classification: Likely pathogenic for Fanconi anemia complementation group A. Review status: criteria provided, single submitter. Criteria: ACMG Guidelines, 2015. Collection method: clinical testing. Allele origin: germline. Inheritance: Autosomal recessive inheritance. Affected: yes.
Comment: The frame shift (c.2505-2A>C) variant has not been reported previously as a pathogenic variant nor as a benign variant, to our knowledge. The variant is novel (not in any individuals) in gnomAD Exomes and 1000 Genomes. This variant is predicted to cause loss of normal protein function through protein truncation. Loss of function variants have been previously reported to be disease causing. This variant has not been reported to the ClinVar database. The nucleotide change in FANCA is predicted as conserved by GERP++ and PhyloP across 100 vertebrates. For these reasons, this variant has been classified as Likely Pathogenic

NM_000135.4(FANCA):c.2505-2A>C

Gene: FANCA (FA complementation group A; minus strand). Cytogenetic location: 16q24.3.
Variant type: single nucleotide variant.
Coding change: c.2505-2A>C on transcript NM_000135.4 (MANE Select); the canonical splice acceptor site of the intron before coding-DNA position 2505, A replaced by C.
Molecular consequence: splice acceptor variant.
Genome position (GRCh38, 1-based): chr16:89,767,239, T>G on the plus strand (A>C on the coding strand, the complement: FANCA is on the minus strand). VCF-style: chr16-89767239-T-G. GRCh37 (hg19) VCF-style: chr16-89833647-T-G.
Other names: c.2505-2A>C (NM_001286167.3).
Identifiers: ClinVar variation 2585499 (VCV002585499.1), dbSNP rs2544187460, ClinGen allele CA397441005.